The following is an entry in ClinVar:

NM_015665.6(AAAS):c.-70T>C

Genes: AAAS (aladin WD repeat nucleoporin; minus strand), LOC130007973 (ATAC-STARR-seq lymphoblastoid active region 6415; plus strand). Cytogenetic location: 12q13.13.
Variant type: single nucleotide variant.
Coding change: c.-70T>C on transcript NM_015665.6 (MANE Select); 70 bases upstream of the start codon, T replaced by C.
Molecular consequence: 5 prime UTR variant.
Genome position (GRCh38, 1-based): chr12:53,321,535, A>G on the plus strand (T>C on the coding strand, the complement: AAAS is on the minus strand). VCF-style: chr12-53321535-A-G. GRCh37 (hg19) VCF-style: chr12-53715319-A-G.
Other names: c.-70T>C (NM_001173466.2).
Identifiers: ClinVar variation 883693 (VCV000883693.4), dbSNP rs186975061, ClinGen allele CA237341403.

ClinVar aggregate classification (germline): Likely benign (1 of 4 stars; one submission).

Conditions:
Glucocorticoid deficiency with achalasia (AAAS). Also called: Achalasia-Addisonianism-Alacrima (Triple-A) Syndrome; Triple-A syndrome; AAA syndrome; Allgrove syndrome; ALACRIMA-ACHALASIA-ADRENAL INSUFFICIENCY NEUROLOGIC DISORDER; Addisonian achalasia syndrome. Identifiers: Orphanet 869, MedGen C0271742, MONDO:0009279, OMIM 231550.

Allele frequency attached by ClinVar (database versions not stated): TOPMed 0.00362; 1000 Genomes Project 0.00419; 1000 Genomes Project 30x 0.00422.
gnomAD v4.1: 1,011 of 1,609,446 alleles (0.063%); highest among the groups gnomAD compares: African/African-American, 1.2%; 6 homozygotes.

Submission:

Illumina Laboratory Services, Illumina
Classification: Likely benign for Glucocorticoid deficiency with achalasia. Last evaluated: 2018-01-12. Review status: criteria provided, single submitter. Criteria: ICSL Variant Classification Criteria 13 December 2019. Collection method: clinical testing. Allele origin: germline.
Comment: This variant was observed in the ICSL laboratory as part of a predisposition screen in an ostensibly healthy population. It had not been previously curated by ICSL or reported in the Human Gene Mutation Database (HGMD: prior to June 1st, 2018), and was therefore a candidate for classification through an automated scoring system. Utilizing variant allele frequency, disease prevalence and penetrance estimates, and inheritance mode, an automated score was calculated to assess if this variant is too frequent to cause the disease. Based on the score and internal cut-off values, a variant classified as likely benign is not then subjected to further curation. The score for this variant resulted in a classification of likely benign for this disease.